The following is an entry in ClinVar:

ClinVar aggregate classification (germline): Uncertain significance (1 of 4 stars; one submission).

Submission:

Ambry Genetics
Classification: Uncertain significance. Last evaluated: 2023-07-29. Review status: criteria provided, single submitter. Criteria: Ambry Variant Classification Scheme 2023. Collection method: clinical testing. Allele origin: germline.
Comment: The p.P43H variant (also known as c.128C>A), located in coding exon 1 of the EGLN2 gene, results from a C to A substitution at nucleotide position 128. The proline at codon 43 is replaced by histidine, an amino acid with similar properties. This amino acid position is conserved. In addition, this alteration is predicted to be tolerated by in silico analysis. Since supporting evidence is limited at this time, the clinical significance of this alteration remains unclear.

NM_080732.4(EGLN2):c.128C>A (p.Pro43His)

Genes: EGLN2 (egl-9 family hypoxia inducible factor 2; plus strand), RAB4B-EGLN2 (RAB4B-EGLN2 readthrough (NMD candidate); plus strand). Cytogenetic location: 19q13.2.
Variant type: single nucleotide variant.
Coding change: c.128C>A on transcript NM_080732.4 (MANE Select); coding-DNA position 128, C replaced by A.
Protein change: p.Pro43His; replaces proline 43 with histidine.
Molecular consequence: missense variant. On other transcripts: non-coding transcript variant (1).
Genome position (GRCh38, 1-based): chr19:40,800,700, C>A. VCF-style: chr19-40800700-C-A. GRCh37 (hg19) VCF-style: chr19-41306605-C-A.
Other names: c.128C>A, p.Pro43His (NM_053046.4); short protein forms P43H.
Identifiers: ClinVar variation 1769055 (VCV001769055.3), dbSNP rs772361889, ClinGen allele CA308486977.